The following is an entry in ClinVar:

NM_201384.3(PLEC):c.9004C>T (p.Arg3002Ter)

Gene: PLEC (plectin; minus strand). Cytogenetic location: 8q24.3.
Variant type: single nucleotide variant.
Coding change: c.9004C>T on transcript NM_201384.3 (MANE Select); coding-DNA position 9004, C replaced by T.
Protein change: p.Arg3002Ter; replaces arginine 3002 with a stop codon.
Molecular consequence: nonsense.
Genome position (GRCh38, 1-based): chr8:143,920,817, G>A on the plus strand (C>T on the coding strand, the complement: PLEC is on the minus strand). VCF-style: chr8-143920817-G-A. GRCh37 (hg19) VCF-style: chr8-144994985-G-A.
Other names: c.9085C>T, p.Arg3029Ter (NM_000445.5); c.8962C>T, p.Arg2988Ter (NM_201378.4); c.8938C>T, p.Arg2980Ter (NM_201379.3); c.9415C>T, p.Arg3139Ter (NM_201380.4); c.8908C>T, p.Arg2970Ter (NM_201381.3); c.9004C>T, p.Arg3002Ter (NM_201382.4); c.9016C>T, p.Arg3006Ter (NM_201383.3); short protein forms R3029*, R2970*, R2980*, R2988*, R3002*, R3006*, R3139*.
Identifiers: ClinVar variation 8266 (VCV000008266.10), dbSNP rs137853161, ClinGen allele CA249467.

ClinVar aggregate classification (germline): Pathogenic. Review status: criteria provided, single submitter (1 of 4 stars). 2 submissions from 2 submitters: Pathogenic (1). 1 of the submissions does not count toward it. Last evaluated 2020-11-03.

Conditions:
Epidermolysis bullosa simplex 5B, with muscular dystrophy (EBS5B). Also called: EPIDERMOLYSIS BULLOSA SIMPLEX AND LIMB-GIRDLE MUSCULAR DYSTROPHY; Epidermolysis bullosa simplex with muscular dystrophy. Identifiers: Orphanet 257, MedGen C2931072, MONDO:0009181, OMIM 226670.
Epidermolysis bullosa simplex, Ogna type (EBS5A). Also called: Pidermolysis bullosa simplex 5A, Ogna type; EPIDERMOLYSIS BULLOSA SIMPLEX 5A, OGNA TYPE. Identifiers: Orphanet 79401, MedGen C0432317, MONDO:0007555, OMIM 131950.
Autosomal recessive limb-girdle muscular dystrophy type 2Q (LGMDR17). Also called: MUSCULAR DYSTROPHY, LIMB-GIRDLE, AUTOSOMAL RECESSIVE 17. Identifiers: Orphanet 254361, MedGen C3150989, MONDO:0013390, OMIM 613723.
Epidermolysis bullosa simplex with nail dystrophy (EBS5D). Identifiers: MedGen C4225309, MONDO:0014661, OMIM 616487.
Epidermolysis bullosa simplex 5C, with pyloric atresia (EBS5C). Also called: PLEC-Related Epidermolysis Bullosa with Pyloric Atresia; Epidermolysis bullosa simplex with pyloric atresia; PLEC1-Related Epidermolysis Bullosa with Pyloric Atresia. Identifiers: Orphanet 158684, MedGen C2677349, MONDO:0012807, OMIM 612138.

gnomAD v4.1: 3 of 1,608,176 alleles (0.00019%); highest among the groups gnomAD compares: Non-Finnish European, 0.00025%; no homozygotes.

Submissions (2):

Labcorp Genetics (formerly Invitae), Labcorp
Classification: Pathogenic for Autosomal recessive limb-girdle muscular dystrophy type 2Q; Epidermolysis bullosa simplex, Ogna type; Epidermolysis bullosa simplex with nail dystrophy; Epidermolysis bullosa simplex 5C, with pyloric atresia; Epidermolysis bullosa simplex 5B, with muscular dystrophy. Last evaluated: 2020-11-03. Review status: criteria provided, single submitter. Criteria: Invitae Variant Classification Sherloc (09022015). Collection method: clinical testing. Allele origin: germline.
Comment: For these reasons, this variant has been classified as Pathogenic. This variant disrupts the C-terminus of the PLEC protein. Other variant(s) that disrupt this region (p.Ser4396*) have been determined to be pathogenic (Invitae). This suggests that variants that disrupt this region of the protein are likely to be causative of disease. Algorithms developed to predict the effect of sequence changes on RNA splicing suggest that this variant may create or strengthen a splice site, but this prediction has not been confirmed by published transcriptional studies. This variant has been observed in individual(s) with autosomal recessive epidermolysis bullosa (PMID: 15654962). ClinVar contains an entry for this variant (Variation ID: 8266). This variant is not present in population databases (ExAC no frequency). This sequence change creates a premature translational stop signal (p.Arg3029*) in the PLEC gene. While this is not anticipated to result in nonsense mediated decay, it is expected to disrupt the last 1546 amino acid(s) of the PLEC protein.

OMIM
Classification: Pathogenic for EPIDERMOLYSIS BULLOSA SIMPLEX 5C, WITH PYLORIC ATRESIA. Last evaluated: 2005-01-01. Review status: no assertion criteria provided. Collection method: literature only. Allele origin: germline. Not counted in ClinVar's aggregate classification.

Literature cited by the submitters: PubMed 15654962 (cited by Labcorp Genetics (formerly Invitae), Labcorp and OMIM).